The following is an entry in ClinVar:

ClinVar aggregate classification (germline): Uncertain significance (1 of 4 stars; one submission).

Allele frequency attached by ClinVar (database versions not stated): ExAC 0.00001.

Submission:

Labcorp Genetics (formerly Invitae), Labcorp
Classification: Uncertain significance. Last evaluated: 2024-01-18. Review status: criteria provided, single submitter. Criteria: Invitae Variant Classification Sherloc (09022015). Collection method: clinical testing. Allele origin: germline.
Comment: This sequence change replaces threonine, which is neutral and polar, with lysine, which is basic and polar, at codon 639 of the RECQL protein (p.Thr639Lys). This variant is present in population databases (rs750537649, gnomAD 0.0009%). This variant has not been reported in the literature in individuals affected with RECQL-related conditions. An algorithm developed to predict the effect of missense changes on protein structure and function (PolyPhen-2) suggests that this variant is likely to be tolerated. In summary, the available evidence is currently insufficient to determine the role of this variant in disease. Therefore, it has been classified as a Variant of Uncertain Significance.

NM_002907.4(RECQL):c.1916C>A (p.Thr639Lys)

Genes: PYROXD1 (pyridine nucleotide-disulphide oxidoreductase domain 1; plus strand), RECQL (RecQ like helicase; minus strand). Cytogenetic location: 12p12.1.
Variant type: single nucleotide variant.
Coding change: c.1916C>A on transcript NM_002907.4 (MANE Select); coding-DNA position 1916, C replaced by A.
Protein change: p.Thr639Lys; replaces threonine 639 with lysine.
Molecular consequence: missense variant. On other transcripts: 3 prime UTR variant (3).
Genome position (GRCh38, 1-based): chr12:21,470,228, G>T on the plus strand (C>A on the coding strand, the complement: RECQL is on the minus strand). VCF-style: chr12-21470228-G-T. GRCh37 (hg19) VCF-style: chr12-21623162-G-T.
Other names: c.1916C>A, p.Thr639Lys (NM_032941.3); c.*1474G>T (NM_001350912.2, NM_001350913.2, NM_024854.5); short protein forms T639K.
Identifiers: ClinVar variation 2710098 (VCV002710098.3), dbSNP rs750537649, ClinGen allele CA6478587.
Genomic context (GRCh38, chr12:21,470,228, plus strand): 5'-AATTAGAAAATTTAGTAACATTCATATCAGGCATCATCGATTTTTCTTTTCTTAGCTCCT[G>T]TATTCTTAGAACCAGATTGCTGAAGCATGTTTGCAGCCTTCTTCTGGAAGTTGCCTGAAT-3'
Protein context (NP_002898.2, residues 629-649): NMLQQSGSKN[Thr639Lys]GAKKRKIDDA